The following is an entry in ClinVar:

NM_000038.6(APC):c.104del (p.Thr35fs)

Gene: APC (APC regulator of Wnt signaling pathway; plus strand). Cytogenetic location: 5q22.2.
Variant type: Deletion.
Coding change: c.104del on transcript NM_000038.6 (MANE Select); coding-DNA position 104, one base deleted (C; older notation c.104delC).
Protein change: p.Thr35fs; shifts the reading frame from threonine 35.
Molecular consequence: frameshift variant. On other transcripts: 5 prime UTR variant (1), intron variant (8).
Genome position (GRCh38, 1-based): chr5:112,754,994, C deleted. VCF-style (leftmost placement, unchanged base first): chr5-112754993-AC-A. GRCh37 (hg19) VCF-style: chr5-112090690-AC-A.
Other names: c.-932del (NM_001354906.2); c.61-11332del (NM_001354898.2, NM_001354904.2); c.-42-11332del (NM_001354901.2, NM_001354905.2, NM_001354900.2); c.166-11332del (NM_001354902.2, NM_001127511.3, NM_001354897.2); c.104del, p.Thr35fs (NM_001127510.3, NM_001354895.2, NM_001354896.2 and 2 more transcripts); c.104delC (NM_000038.5); short protein forms T35fs.
Identifiers: ClinVar variation 428154 (VCV000428154.7), dbSNP rs1114167593, ClinGen allele CA645369347.

ClinVar aggregate classification (germline): Pathogenic. Review status: criteria provided, multiple submitters, no conflicts (2 of 4 stars). 4 submissions from 4 submitters: Pathogenic (4). Last evaluated 2025-03-11.

Conditions:
Hereditary cancer-predisposing syndrome. Also called: Hereditary Cancer Syndrome; Neoplastic Syndromes, Hereditary; Hereditary neoplastic syndrome; Tumor predisposition. Identifiers: Orphanet 140162, MedGen C0027672, MeSH D009386, MONDO:0015356.
Familial adenomatous polyposis 1 (FAP1). Also called: FAMILIAL ADENOMATOUS POLYPOSIS 1, ATTENUATED; POLYPOSIS, ADENOMATOUS INTESTINAL. Identifiers: MedGen C2713442, MONDO:0021056, OMIM 175100. Disease mechanism: loss of function.

Submissions (4):

Labcorp Genetics (formerly Invitae), Labcorp
Classification: Pathogenic for Familial adenomatous polyposis 1. Last evaluated: 2025-03-11. Review status: criteria provided, single submitter. Criteria: Invitae Variant Classification Sherloc (09022015). Collection method: clinical testing. Allele origin: germline.
Comment: This sequence change creates a premature translational stop signal (p.Thr35Lysfs*10) in the APC gene. It is expected to result in an absent or disrupted protein product. Loss-of-function variants in APC are known to be pathogenic (PMID: 17963004, 20685668). This variant is not present in population databases (gnomAD no frequency). This variant has not been reported in the literature in individuals affected with APC-related conditions. ClinVar contains an entry for this variant (Variation ID: 428154). For these reasons, this variant has been classified as Pathogenic.

Myriad Genetics, Inc.
Classification: Pathogenic for Familial adenomatous polyposis 1. Last evaluated: 2023-04-24. Review status: criteria provided, single submitter. Criteria: Myriad Autosomal Dominant, Autosomal Recessive and X-Linked Classification Criteria (2023). Collection method: clinical testing. Allele origin: unknown.
Comment: This variant is considered pathogenic. This variant creates a frameshift predicted to result in premature protein truncation.

Quest Diagnostics Nichols Institute San Juan Capistrano
Classification: Pathogenic. Last evaluated: 2021-03-30. Review status: criteria provided, single submitter. Criteria: Quest Diagnostics criteria. Collection method: clinical testing. Allele origin: unknown.
Comment: This variant is expected to result in the loss of a functional protein. This variant has not been reported in large, multi-ethnic general populations. Found in at least one patient with expected phenotype for this gene.

Ambry Genetics
Classification: Pathogenic for Hereditary cancer-predisposing syndrome. Last evaluated: 2020-09-28. Review status: criteria provided, single submitter. Criteria: Ambry Autosomal Dominant and X-Linked criteria (7/2020). Collection method: clinical testing. Allele origin: germline. Observed: 1 variant allele.
Comment: The c.104delC pathogenic mutation, located in coding exon 1 of the APC gene, results from a deletion of one nucleotide at nucleotide position 104, causing a translational frameshift with a predicted alternate stop codon. This variant was not reported in population-based cohorts in the Genome Aggregation Database (gnomAD). This alteration is expected to result in loss of function by premature protein truncation or nonsense-mediated mRNA decay. As such, this alteration is interpreted as a disease-causing mutation.

Literature cited by the submitters: PubMed 17963004 (cited by Labcorp Genetics (formerly Invitae), Labcorp); PubMed 20685668 (cited by Labcorp Genetics (formerly Invitae), Labcorp).